The following is an entry in ClinVar:

NM_024312.5(GNPTAB):c.772-2_786del

Gene: GNPTAB (N-acetylglucosamine-1-phosphate transferase subunits alpha and beta; minus strand). Cytogenetic location: 12q23.2.
Variant type: Deletion.
Coding change: c.772-2_786del on transcript NM_024312.5 (MANE Select); the canonical splice acceptor site of the intron before coding-DNA position 772 through coding-DNA position 786, 17 bases deleted (AGTTGCAGTTGTATTCA).
Molecular consequence: splice acceptor variant.
Genome position (GRCh38, 1-based): chr12:101,771,143-101,771,159, TGAATACAACTGCAACT deleted on the plus strand (AGTTGCAGTTGTATTCA on the coding strand, the reverse complement: GNPTAB is on the minus strand). VCF-style (leftmost placement, unchanged base first): chr12-101771142-CTGAATACAACTGCAACT-C. GRCh37 (hg19) VCF-style: chr12-102164920-CTGAATACAACTGCAACT-C.
Identifiers: ClinVar variation 2933846 (VCV002933846.3), dbSNP rs2547962001, ClinGen allele CA2740092574.

ClinVar aggregate classification (germline): Likely pathogenic (1 of 4 stars; one submission).

Conditions:
Mucolipidosis type II. Also called: ML II ALPHA/BETA; Mucolipidosis 2; ML 2; Inclusion cell disease; Leroy Disease; N-acetylglucosamine 1phosphotransferase deficiency. Identifiers: Orphanet 576, MedGen C2673377, MONDO:0009650, OMIM 252500.
Pseudo-Hurler polydystrophy. Also called: ML III; ML III ALPHA/BETA; Type III Mucolipidosis; ML IIIA; Mucolipidosis III Alpha/Beta; MUCOLIPIDOSIS IIIA. Identifiers: Orphanet 423461, Orphanet 577, MedGen C0033788, MONDO:0018931, OMIM 252600.

Submission:

Labcorp Genetics (formerly Invitae), Labcorp
Classification: Likely pathogenic for Pseudo-Hurler polydystrophy; Mucolipidosis type II. Last evaluated: 2025-08-04. Review status: criteria provided, single submitter. Criteria: Invitae Variant Classification Sherloc (09022015). Collection method: clinical testing. Allele origin: germline.
Comment: This variant results in the deletion of part of exon 8 (c.772-2_786del) of the GNPTAB gene. It is expected to disrupt RNA splicing. Variants that disrupt the donor or acceptor splice site typically lead to a loss of protein function (PMID: 16199547), and loss-of-function variants in GNPTAB are known to be pathogenic (PMID: 19617216, 25107912). This variant is not present in population databases (gnomAD no frequency). This variant has not been reported in the literature in individuals affected with GNPTAB-related conditions. ClinVar contains an entry for this variant (Variation ID: 2933846). In summary, the currently available evidence indicates that the variant is pathogenic, but additional data are needed to prove that conclusively. Therefore, this variant has been classified as Likely Pathogenic.

Literature cited by the submitters: PubMed 16199547; PubMed 19617216; PubMed 25107912.